The following is an entry in ClinVar:

ClinVar aggregate classification (germline): Uncertain significance (1 of 4 stars; one submission).

Submission:

GeneDx
Classification: Uncertain significance. Last evaluated: 2024-07-31. Review status: criteria provided, single submitter. Criteria: GeneDx Variant Classification Process June 2021. Collection method: clinical testing. Allele origin: germline. Affected: yes.
Comment: Not observed at significant frequency in large population cohorts (gnomAD); In silico analysis supports that this missense variant has a deleterious effect on protein structure/function; Has not been previously published as pathogenic or benign to our knowledge

NM_198565.3(NRROS):c.163C>T (p.Leu55Phe)

Gene: NRROS (negative regulator of reactive oxygen species; plus strand). Cytogenetic location: 3q29.
Variant type: single nucleotide variant.
Coding change: c.163C>T on transcript NM_198565.3 (MANE Select); coding-DNA position 163, C replaced by T.
Protein change: p.Leu55Phe; replaces leucine 55 with phenylalanine.
Molecular consequence: missense variant.
Genome position (GRCh38, 1-based): chr3:196,659,806, C>T. VCF-style: chr3-196659806-C-T. GRCh37 (hg19) VCF-style: chr3-196386677-C-T.
Other names: short protein forms L55F.
Identifiers: ClinVar variation 3602534 (VCV003602534.1).